The following is an entry in ClinVar:

ClinVar aggregate classification (germline): Uncertain significance (1 of 4 stars; one submission).

Conditions:
Epidermodysplasia verruciformis. Identifiers: Orphanet 302, MedGen C0014522, MONDO:0009176.

Allele frequency attached by ClinVar (database versions not stated): gnomAD exomes 0.00001; TOPMed 0.00001.

Submission:

Labcorp Genetics (formerly Invitae), Labcorp
Classification: Uncertain significance for Epidermodysplasia verruciformis. Last evaluated: 2021-12-20. Review status: criteria provided, single submitter. Criteria: Invitae Variant Classification Sherloc (09022015). Collection method: clinical testing. Allele origin: germline.
Comment: This sequence change replaces leucine, which is neutral and non-polar, with phenylalanine, which is neutral and non-polar, at codon 385 of the TMC8 protein (p.Leu385Phe). This variant is present in population databases (no rsID available, gnomAD 0.01%). This variant has not been reported in the literature in individuals affected with TMC8-related conditions. Algorithms developed to predict the effect of missense changes on protein structure and function are either unavailable or do not agree on the potential impact of this missense change (SIFT: "Tolerated"; PolyPhen-2: "Probably Damaging"; Align-GVGD: "Class C0"). In summary, the available evidence is currently insufficient to determine the role of this variant in disease. Therefore, it has been classified as a Variant of Uncertain Significance.

NM_152468.5(TMC8):c.1155G>T (p.Leu385Phe)

Gene: TMC8 (transmembrane channel like 8; plus strand). Cytogenetic location: 17q25.3.
Variant type: single nucleotide variant.
Coding change: c.1155G>T on transcript NM_152468.5 (MANE Select); coding-DNA position 1155, G replaced by T.
Protein change: p.Leu385Phe; replaces leucine 385 with phenylalanine.
Molecular consequence: missense variant.
Genome position (GRCh38, 1-based): chr17:78,137,262, G>T. VCF-style: chr17-78137262-G-T. GRCh37 (hg19) VCF-style: chr17-76133343-G-T.
Other names: short protein forms L385F.
Identifiers: ClinVar variation 2059146 (VCV002059146.1), dbSNP rs1057423570, ClinGen allele CA294366527.